The following is an entry in ClinVar:

NM_013247.5(HTRA2):c.434G>A (p.Ser145Asn)

Gene: HTRA2 (HtrA serine peptidase 2; plus strand). Cytogenetic location: 2p13.1.
Variant type: single nucleotide variant.
Coding change: c.434G>A on transcript NM_013247.5 (MANE Select); coding-DNA position 434, G replaced by A.
Protein change: p.Ser145Asn; replaces serine 145 with asparagine.
Molecular consequence: missense variant. On other transcripts: non-coding transcript variant (1).
Genome position (GRCh38, 1-based): chr2:74,530,440, G>A. VCF-style: chr2-74530440-G-A. GRCh37 (hg19) VCF-style: chr2-74757567-G-A.
Other names: c.434G>A (NM_013247.4); c.434G>A, p.Ser145Asn (NM_001321727.1, NM_001321728.1, NM_145074.2); short protein forms S145N.
Identifiers: ClinVar variation 1522563 (VCV001522563.9), dbSNP rs369700396, ClinGen allele CA1728347.

ClinVar aggregate classification (germline): Uncertain significance. Review status: criteria provided, multiple submitters, no conflicts (2 of 4 stars). 3 submissions from 3 submitters: Uncertain significance (3). Last evaluated 2025-07-15.

Conditions:
Inborn genetic diseases. Identifiers: MedGen C0950123, MeSH D030342.

Allele frequency attached by ClinVar (database versions not stated): gnomAD 0.00002; ExAC 0.00003; TOPMed 0.00003; gnomAD exomes 0.00004 and 0.00007; ESP Exome Variant Server 0.00008.
gnomAD v4.1: 118 of 1,605,518 alleles (0.0073%); highest among the groups gnomAD compares: Non-Finnish European, 0.009%; no homozygotes.

Submissions (3):

Ambry Genetics
Classification: Uncertain significance for Inborn genetic diseases. Last evaluated: 2025-07-15. Review status: criteria provided, single submitter. Criteria: Ambry Variant Classification Scheme 2023. Collection method: clinical testing. Allele origin: germline.

GeneDx
Classification: Uncertain significance. Last evaluated: 2024-09-23. Review status: criteria provided, single submitter. Criteria: GeneDx Variant Classification Process June 2021. Collection method: clinical testing. Allele origin: germline.
Comment: Not observed at significant frequency in large population cohorts (gnomAD); In silico analysis indicates that this missense variant does not alter protein structure/function; Has not been previously published as pathogenic or benign to our knowledge

Labcorp Genetics (formerly Invitae), Labcorp
Classification: Uncertain significance. Last evaluated: 2023-09-29. Review status: criteria provided, single submitter. Criteria: Invitae Variant Classification Sherloc (09022015). Collection method: clinical testing. Allele origin: germline.
Comment: This sequence change replaces serine, which is neutral and polar, with asparagine, which is neutral and polar, at codon 145 of the HTRA2 protein (p.Ser145Asn). This variant is present in population databases (rs369700396, gnomAD 0.007%). This variant has not been reported in the literature in individuals affected with HTRA2-related conditions. ClinVar contains an entry for this variant (Variation ID: 1522563). Advanced modeling of protein sequence and biophysical properties (such as structural, functional, and spatial information, amino acid conservation, physicochemical variation, residue mobility, and thermodynamic stability) performed at Invitae indicates that this missense variant is not expected to disrupt HTRA2 protein function. In summary, the available evidence is currently insufficient to determine the role of this variant in disease. Therefore, it has been classified as a Variant of Uncertain Significance.